The following is an entry in ClinVar:

NM_031935.3(HMCN1):c.15545G>T (p.Arg5182Leu)

Gene: HMCN1 (hemicentin 1; plus strand). Cytogenetic location: 1q31.1.
Variant type: single nucleotide variant.
Coding change: c.15545G>T on transcript NM_031935.3 (MANE Select); coding-DNA position 15545, G replaced by T.
Protein change: p.Arg5182Leu; replaces arginine 5182 with leucine.
Molecular consequence: missense variant.
Genome position (GRCh38, 1-based): chr1:186,166,913, G>T. VCF-style: chr1-186166913-G-T. GRCh37 (hg19) VCF-style: chr1-186136045-G-T.
Other names: short protein forms R5182L.
Identifiers: ClinVar variation 1713567 (VCV001713567.5), dbSNP rs148826584, ClinGen allele CA343930606.

ClinVar aggregate classification (germline): Uncertain significance (1 of 4 stars; one submission).

Submission:

Labcorp Genetics (formerly Invitae), Labcorp
Classification: Uncertain significance. Last evaluated: 2022-07-23. Review status: criteria provided, single submitter. Criteria: Invitae Variant Classification Sherloc (09022015). Collection method: clinical testing. Allele origin: germline.
Comment: This sequence change replaces arginine, which is basic and polar, with leucine, which is neutral and non-polar, at codon 5182 of the HMCN1 protein (p.Arg5182Leu). This variant is not present in population databases (gnomAD no frequency). This variant has not been reported in the literature in individuals affected with HMCN1-related conditions. Algorithms developed to predict the effect of missense changes on protein structure and function (SIFT, PolyPhen-2, Align-GVGD) all suggest that this variant is likely to be disruptive. Algorithms developed to predict the effect of sequence changes on RNA splicing suggest that this variant may disrupt the consensus splice site. In summary, the available evidence is currently insufficient to determine the role of this variant in disease. Therefore, it has been classified as a Variant of Uncertain Significance.